The following is an entry in ClinVar:

ClinVar aggregate classification (germline): Uncertain significance (1 of 4 stars; one submission).

Conditions:
Leukocyte adhesion deficiency 1 (LAD1). Also called: LEUKOCYTE ADHESION DEFICIENCY, TYPE I; LAD 1; Lymphocyte function-associated antigen 1 immunodeficiency; LFA 1 immunodeficiency. Identifiers: Orphanet 2968, Orphanet 99842, MedGen C0398738, MONDO:0007293, OMIM 116920.

Allele frequency attached by ClinVar (database versions not stated): gnomAD exomes below 0.00001; gnomAD 0.00001; TOPMed 0.00001; ExAC 0.00002; ESP Exome Variant Server 0.00015.
gnomAD v4.1: 27 of 1,614,074 alleles (0.0017%); highest among the groups gnomAD compares: African/African-American, 0.0053%; no homozygotes.

Submission:

Labcorp Genetics (formerly Invitae), Labcorp
Classification: Uncertain significance for Leukocyte adhesion deficiency 1. Last evaluated: 2019-07-08. Review status: criteria provided, single submitter. Criteria: Invitae Variant Classification Sherloc (09022015). Collection method: clinical testing. Allele origin: germline.
Comment: This variant is present in population databases (rs150327269, ExAC 0.01%). This variant has not been reported in the literature in individuals with ITGB2-related conditions. Algorithms developed to predict the effect of sequence changes on RNA splicing suggest that this variant may disrupt the consensus splice site, but this prediction has not been confirmed by published transcriptional studies. In summary, the available evidence is currently insufficient to determine the role of this variant in disease. Therefore, it has been classified as a Variant of Uncertain Significance. This sequence change affects codon 299 of the ITGB2 mRNA. It is a 'silent' change, meaning that it does not change the encoded amino acid sequence of the ITGB2 protein.

NM_000211.5(ITGB2):c.897C>T (p.Phe299=)

Gene: ITGB2 (integrin subunit beta 2; minus strand). Cytogenetic location: 21q22.3.
Variant type: single nucleotide variant.
Coding change: c.897C>T on transcript NM_000211.5 (MANE Select); coding-DNA position 897, C replaced by T.
Protein change: p.Phe299=; no amino-acid change (phenylalanine 299 retained).
Molecular consequence: synonymous variant.
Genome position (GRCh38, 1-based): chr21:44,900,320, G>A on the plus strand (C>T on the coding strand, the complement: ITGB2 is on the minus strand). VCF-style: chr21-44900320-G-A. GRCh37 (hg19) VCF-style: chr21-46320235-G-A.
Other names: c.897C>T, p.Phe299= (NM_001127491.3); c.690C>T, p.Phe230= (NM_001303238.2).
Identifiers: ClinVar variation 944795 (VCV000944795.9), dbSNP rs150327269, ClinGen allele CA10063031.